The following is an entry in ClinVar:

NM_007194.4(CHEK2):c.908+2T>G

Gene: CHEK2 (checkpoint kinase 2; minus strand). Cytogenetic location: 22q12.1.
Variant type: single nucleotide variant.
Coding change: c.908+2T>G on transcript NM_007194.4 (MANE Select); the canonical splice donor site of the intron after coding-DNA position 908, T replaced by G.
Molecular consequence: splice donor variant.
Genome position (GRCh38, 1-based): chr22:28,703,503, A>C on the plus strand (T>G on the coding strand, the complement: CHEK2 is on the minus strand). VCF-style: chr22-28703503-A-C. GRCh37 (hg19) VCF-style: chr22-29099491-A-C.
Other names: c.245+2T>G (NM_001437942.1, NM_001257387.3); c.707+2T>G (NM_001349956.3); c.908+2T>G (NM_145862.3); c.1001+2T>G (NM_001438295.1, NM_001438293.1); c.1037+2T>G (NM_001438294.1, NM_001005735.3).
Identifiers: ClinVar variation 2452070 (VCV002452070.5), dbSNP rs1601752066, ClinGen allele CA411100865.

ClinVar aggregate classification (germline): Likely pathogenic. Review status: criteria provided, multiple submitters, no conflicts (2 of 4 stars). 2 submissions from 2 submitters: Likely pathogenic (2). Last evaluated 2026-02-09.

Conditions:
Hereditary cancer-predisposing syndrome. Also called: Neoplastic Syndromes, Hereditary; Tumor predisposition; Hereditary Cancer Syndrome; Hereditary neoplastic syndrome. Identifiers: Orphanet 140162, MedGen C0027672, MeSH D009386, MONDO:0015356.
Familial cancer of breast. Also called: BREAST CANCER, FAMILIAL; Hereditary breast cancer; hereditary breast carcinoma. Identifiers: Orphanet 227535, MedGen C0346153, MONDO:0016419, OMIM 114480. Disease mechanism: loss of function.

Submissions (2):

Ambry Genetics
Classification: Likely pathogenic for Hereditary cancer-predisposing syndrome. Last evaluated: 2026-02-09. Review status: criteria provided, single submitter. Criteria: Ambry Variant Classification Scheme 2023. Collection method: clinical testing. Allele origin: germline.
Comment: The c.908+2T>G intronic variant results from a T to G substitution two nucleotides after coding exon 7 in the CHEK2 gene. This variant is considered to be rare based on population cohorts in the Genome Aggregation Database (gnomAD). This nucleotide position is highly conserved in available vertebrate species. In silico splice site analysis predicts that this alteration will weaken the native splice donor site. Alterations that disrupt the canonical splice site are expected to cause aberrant splicing, resulting in an abnormal protein or a transcript that is subject to nonsense-mediated mRNA decay. Based on the majority of available evidence to date, this variant is likely to be pathogenic.

Labcorp Genetics (formerly Invitae), Labcorp
Classification: Likely pathogenic for Familial cancer of breast. Last evaluated: 2025-07-13. Review status: criteria provided, single submitter. Criteria: Invitae Variant Classification Sherloc (09022015). Collection method: clinical testing. Allele origin: germline.
Comment: This sequence change affects a donor splice site in intron 8 of the CHEK2 gene. RNA analysis indicates that disruption of this splice site induces altered splicing and may result in an absent or altered protein product. This variant is not present in population databases (gnomAD no frequency). Disruption of this splice site has been observed in individual(s) with breast cancer (PMID: 31742824). ClinVar contains an entry for this variant (Variation ID: 2452070). Studies have shown that disruption of this splice site results in skipping of exon 8 , and produces a non-functional protein and/or introduces a premature termination codon (internal data). In summary, the currently available evidence indicates that the variant is pathogenic, but additional data are needed to prove that conclusively. Therefore, this variant has been classified as Likely Pathogenic.

Literature cited by the submitters: PubMed 31742824 (cited by Labcorp Genetics (formerly Invitae), Labcorp).